The following is an entry in ClinVar:

ClinVar aggregate classification (germline): Likely pathogenic (1 of 4 stars; one submission).

Conditions:
Cystic fibrosis (CF). Also called: MUCOVISCIDOSIS. Identifiers: Orphanet 586, MedGen C0010674, MONDO:0009061, OMIM 219700. Disease mechanism: loss of function.

Submission:

Women's Health and Genetics/Laboratory Corporation of America, LabCorp
Classification: Likely pathogenic for Cystic fibrosis. Last evaluated: 2023-11-07. Review status: criteria provided, single submitter. Criteria: LabCorp Variant Classification Summary - May 2015. Collection method: clinical testing. Allele origin: germline.
Comment: Variant summary: The variant involves the duplication of exon 16 in the CFTR gene. A presumed nomenclature of c.(2619+1_2620-1)_(2657+1_2658-1)dup has been designated for the purposes of this classification. It is assumed to be a tandem duplication in direct orientation (Richardson_GIM_2018, Newman_AJHG_2015). This Copy Number Variant (CNV) is expected to alter the reading frame and predicted to result in a truncation or absence of the encoded protein due to nonsense mediated decay (NMD). The variant was absent in 21694 control chromosomes. The available data on variant occurrences in the general population are insufficient to allow any conclusion about variant significance. To our knowledge, no occurrence of c.(2619+1_2620-1)_(2657+1_2658-1)dup in individuals affected with Cystic Fibrosis and no experimental evidence demonstrating its impact on protein function have been reported. No submitters have cited clinical-significance assessments for this variant to ClinVar after 2014. Based on the evidence outlined above, the variant was classified as likely pathogenic.

NC_000007.13:g.(117235113_117242879)_(117242918_117243585)dup

Gene: CFTR (CF transmembrane conductance regulator; plus strand). Cytogenetic location: 7q31.2.
Variant type: Duplication.
Identifiers: ClinVar variation 2682358 (VCV002682358.1).